The following is an entry in ClinVar:

NM_198282.4(STING1):c.937G>A (p.Ala313Thr)

Gene: STING1 (stimulator of interferon response cGAMP interactor 1; minus strand). Cytogenetic location: 5q31.2.
Variant type: single nucleotide variant.
Coding change: c.937G>A on transcript NM_198282.4 (MANE Select); coding-DNA position 937, G replaced by A.
Protein change: p.Ala313Thr; replaces alanine 313 with threonine.
Molecular consequence: missense variant. On other transcripts: intron variant (1).
Genome position (GRCh38, 1-based): chr5:139,477,338, C>T on the plus strand (G>A on the coding strand, the complement: STING1 is on the minus strand). VCF-style: chr5-139477338-C-T. GRCh37 (hg19) VCF-style: chr5-138856923-C-T.
Other names: p.Ala313Thr; c.937G>A, p.Ala313Thr (LRG_1308t1); c.580G>A, p.Ala194Thr (NM_001367258.1); c.760-884G>A (NM_001301738.2); short protein forms A313T, A194T.
Identifiers: ClinVar variation 475211 (VCV000475211.18), dbSNP rs140837017, ClinGen allele CA3435288.

ClinVar aggregate classification (germline): Benign/Likely benign. Review status: criteria provided, multiple submitters, no conflicts (2 of 4 stars). 5 submissions from 5 submitters: Benign (3); Likely benign (2). Last evaluated 2026-02-01.

Conditions:
Autoinflammatory syndrome. Identifiers: Orphanet 93665, MedGen C3890737, MONDO:0019751.
STING-associated vasculopathy with onset in infancy. Also called: Sting-associated vasculopathy, infantile-onset. Identifiers: Orphanet 425120, MedGen C4014722, MONDO:0014405, OMIM 615934.

Allele frequency attached by ClinVar (database versions not stated): gnomAD exomes 0.00163 and 0.00303; ExAC 0.00337; ESP Exome Variant Server 0.00715; 1000 Genomes Project 0.00719; gnomAD 0.00731 and 0.00779; 1000 Genomes Project 30x 0.00765; TOPMed 0.00814.

Submissions (5):

Labcorp Genetics (formerly Invitae), Labcorp
Classification: Benign for STING-associated vasculopathy with onset in infancy. Last evaluated: 2026-02-01. Review status: criteria provided, single submitter. Criteria: Invitae Variant Classification Sherloc (09022015). Collection method: clinical testing. Allele origin: germline.

Women's Health and Genetics/Laboratory Corporation of America, LabCorp
Classification: Likely benign. Last evaluated: 2026-01-23. Review status: criteria provided, single submitter. Criteria: LabCorp Variant Classification Summary - May 2015. Collection method: clinical testing. Allele origin: germline.

Blueprint Genetics
Classification: Likely benign. Last evaluated: 2024-11-26. Review status: criteria provided, single submitter. Criteria: ACMG Guidelines, 2015. Collection method: clinical testing. Allele origin: germline.

Mayo Clinic Laboratories, Mayo Clinic
Classification: Benign. Last evaluated: 2023-09-15. Review status: criteria provided, single submitter. Criteria: ACMG Guidelines, 2015. Collection method: clinical testing. Allele origin: germline. Observed: 5 variant alleles.
Comment: BS1, BS2, BP4

Genome Diagnostics Laboratory, The Hospital for Sick Children
Classification: Benign for Autoinflammatory syndrome. Last evaluated: 2022-01-28. Review status: criteria provided, single submitter. Criteria: ACMG Guidelines, 2015. Collection method: clinical testing. Allele origin: germline. Affected: yes.